The following is an entry in ClinVar:

ClinVar aggregate classification (germline): Benign. Review status: criteria provided, multiple submitters, no conflicts (2 of 4 stars). 2 submissions from 2 submitters: Benign (2). Last evaluated 2018-01-13.

Conditions:
Fraser syndrome 3. Identifiers: MedGen C4540040, MONDO:0054739, OMIM 617667.

Allele frequency attached by ClinVar (database versions not stated): gnomAD exomes 0.43386; TOPMed 0.46573; gnomAD 0.47053 and 0.47242; 1000 Genomes Project 0.50379; 1000 Genomes Project 30x 0.50390.
gnomAD v4.1: 72,695 of 154,390 alleles (47%); highest among the groups gnomAD compares: East Asian, 58%; 17,542 homozygotes.

Submissions (2):

Illumina Laboratory Services, Illumina
Classification: Benign for Fraser syndrome 3. Last evaluated: 2018-01-13. Review status: criteria provided, single submitter. Criteria: ICSL Variant Classification Criteria 13 December 2019. Collection method: clinical testing. Allele origin: germline.
Comment: This variant was observed in the ICSL laboratory as part of a predisposition screen in an ostensibly healthy population. It had not been previously curated by ICSL or reported in the Human Gene Mutation Database (HGMD: prior to June 1st, 2018), and was therefore a candidate for classification through an automated scoring system. Utilizing variant allele frequency, disease prevalence and penetrance estimates, and inheritance mode, an automated score was calculated to assess if this variant is too frequent to cause the disease. Based on the score and internal cut-off values, a variant classified as benign is not then subjected to further curation. The score for this variant resulted in a classification of benign for this disease.

Breakthrough Genomics
Classification: Benign. Review status: criteria provided, single submitter. Criteria: ACMG Guidelines, 2015. Collection method: not provided. Allele origin: germline. Inheritance: Autosomal recessive inheritance. Affected: yes.

NM_001366722.1(GRIP1):c.*616T>C

Gene: GRIP1 (glutamate receptor interacting protein 1; minus strand). Cytogenetic location: 12q14.3.
Variant type: single nucleotide variant.
Coding change: c.*616T>C on transcript NM_001366722.1 (MANE Select); 616 bases downstream of the stop codon, T replaced by C.
Molecular consequence: 3 prime UTR variant.
Genome position (GRCh38, 1-based): chr12:66,348,403, A>G on the plus strand (T>C on the coding strand, the complement: GRIP1 is on the minus strand). VCF-style: chr12-66348403-A-G. GRCh37 (hg19) VCF-style: chr12-66742183-A-G.
Other names: c.*616T>C (NM_001178074.2, NM_001366723.1, NM_001366724.1 and 1 more transcripts).
Identifiers: ClinVar variation 310290 (VCV000310290.6), dbSNP rs1168308, ClinGen allele CA10642365.